The following is an entry in ClinVar:

ClinVar aggregate classification (germline): Likely benign (1 of 4 stars; one submission).

Allele frequency attached by ClinVar (database versions not stated): gnomAD exomes 0.00002; TOPMed 0.00003; gnomAD 0.00004; ExAC 0.00007.

Submission:

CeGaT Center for Human Genetics Tuebingen
Classification: Likely benign. Last evaluated: 2024-04-01. Review status: criteria provided, single submitter. Criteria: CeGaT Center For Human Genetics Tuebingen Variant Classification Criteria Version 2. Collection method: clinical testing. Allele origin: germline. Affected: yes. Observed: 1 variant allele.
Comment: SHANK3: BP4, BP7

NM_001372044.2(SHANK3):c.1512C>T (p.Ala504=)

Gene: SHANK3 (SH3 and multiple ankyrin repeat domains 3; plus strand). Cytogenetic location: 22q13.33.
Variant type: single nucleotide variant.
Coding change: c.1512C>T on transcript NM_001372044.2 (MANE Select); coding-DNA position 1512, C replaced by T.
Protein change: p.Ala504=; no amino-acid change (alanine 504 retained).
Molecular consequence: synonymous variant.
Genome position (GRCh38, 1-based): chr22:50,695,031, C>T. VCF-style: chr22-50695031-C-T. GRCh37 (hg19) VCF-style: chr22-51133459-C-T.
Other names: c.1287C>T, p.Ala429= (NM_033517.1).
Identifiers: ClinVar variation 3234268 (VCV003234268.20), dbSNP rs749971164, ClinGen allele CA10325496.